The following is an entry in ClinVar:

ClinVar aggregate classification (germline): Uncertain significance (1 of 4 stars; one submission).

Submission:

GeneDx
Classification: Uncertain significance. Last evaluated: 2026-02-06. Review status: criteria provided, single submitter. Criteria: GeneDx Variant Classification Process June 2021. Collection method: clinical testing. Allele origin: germline.
Comment: Not observed at significant frequency in large population cohorts (gnomAD); In-frame deletion of 1 amino acid in a non-repeat region; In silico analysis supports a deleterious effect on protein structure/function; In silico analysis is inconclusive as to whether the variant alters gene splicing. In the absence of RNA/functional studies, the actual effect of this sequence change is unknown.; Has not been previously published as pathogenic or benign to our knowledge

NM_002224.4(ITPR3):c.6088AAG[1] (p.Lys2031del)

Gene: ITPR3 (inositol 1,4,5-trisphosphate receptor type 3; plus strand). Cytogenetic location: 6p21.31.
Variant type: Microsatellite.
Coding change: c.6088AAG[1] on transcript NM_002224.4 (MANE Select); one copy of the 3-base unit AAG starting at c.6088; the reference has two copies in a row; one copy, 3 bases deleted.
Protein change: p.Lys2031del; deletes lysine 2031.
Molecular consequence: inframe deletion.
Genome position (GRCh38, 1-based): chr6:33,687,241-33,687,243, AAG deleted; deleting any 3 consecutive bases within chr6:33,687,238-33,687,243 gives the same sequence; the position shown is the placement nearest the transcript's 3' end. VCF-style (leftmost placement, unchanged base first): chr6-33687237-CAAG-C. GRCh37 (hg19) VCF-style: chr6-33655014-CAAG-C.
Other names: short protein forms K2031del.
Identifiers: ClinVar variation 4976258 (VCV004976258.1).